The following is an entry in ClinVar:

ClinVar aggregate classification (germline): Uncertain significance. Review status: criteria provided, multiple submitters, no conflicts (2 of 4 stars). 2 submissions from 2 submitters: Uncertain significance (2). Last evaluated 2023-01-24.

Allele frequency attached by ClinVar (database versions not stated): gnomAD exomes below 0.00001 and 0.00001; TOPMed below 0.00001.
gnomAD v4.1: 5 of 1,612,424 alleles (0.00031%); highest among the groups gnomAD compares: East Asian, 0.011%; no homozygotes.

Submissions (2):

Labcorp Genetics (formerly Invitae), Labcorp
Classification: Uncertain significance. Last evaluated: 2023-01-24. Review status: criteria provided, single submitter. Criteria: Invitae Variant Classification Sherloc (09022015). Collection method: clinical testing. Allele origin: germline.
Comment: This sequence change replaces glutamic acid, which is acidic and polar, with glycine, which is neutral and non-polar, at codon 1427 of the MYH14 protein (p.Glu1427Gly). This variant is present in population databases (no rsID available, gnomAD 0.01%). This variant has not been reported in the literature in individuals affected with MYH14-related conditions. ClinVar contains an entry for this variant (Variation ID: 1315312). Advanced modeling of protein sequence and biophysical properties (such as structural, functional, and spatial information, amino acid conservation, physicochemical variation, residue mobility, and thermodynamic stability) performed at Invitae indicates that this missense variant is expected to disrupt MYH14 protein function. In summary, the available evidence is currently insufficient to determine the role of this variant in disease. Therefore, it has been classified as a Variant of Uncertain Significance.

GeneDx
Classification: Uncertain significance. Last evaluated: 2020-02-06. Review status: criteria provided, single submitter. Criteria: GeneDx Variant Classification Process June 2021. Collection method: clinical testing. Allele origin: germline. Affected: yes.
Comment: In silico analysis supports that this missense variant has a deleterious effect on protein structure/function; Has not been previously published as pathogenic or benign to our knowledge

NM_001145809.2(MYH14):c.4403A>G (p.Glu1468Gly)

Gene: MYH14 (myosin heavy chain 14; plus strand). Cytogenetic location: 19q13.33.
Variant type: single nucleotide variant.
Coding change: c.4403A>G on transcript NM_001145809.2 (MANE Select); coding-DNA position 4403, A replaced by G.
Protein change: p.Glu1468Gly; replaces glutamic acid 1468 with glycine.
Molecular consequence: missense variant.
Genome position (GRCh38, 1-based): chr19:50,281,706, A>G. VCF-style: chr19-50281706-A-G. GRCh37 (hg19) VCF-style: chr19-50784963-A-G.
Other names: c.4304A>G, p.Glu1435Gly (NM_001077186.2); c.4280A>G, p.Glu1427Gly (NM_024729.4); short protein forms E1427G, E1435G, E1468G.
Identifiers: ClinVar variation 1315312 (VCV001315312.5), dbSNP rs1346824550, ClinGen allele CA406958155.